The following is an entry in ClinVar:

ClinVar aggregate classification (germline): Uncertain significance (1 of 4 stars; one submission).

Allele frequency attached by ClinVar (database versions not stated): TOPMed below 0.00001; ExAC 0.00001; gnomAD exomes 0.00001 and below 0.00001.
gnomAD v4.1: 2 of 1,614,178 alleles (0.00012%); highest among the groups gnomAD compares: East Asian, 0.0045%; no homozygotes.

Submission:

Labcorp Genetics (formerly Invitae), Labcorp
Classification: Uncertain significance. Last evaluated: 2025-09-02. Review status: criteria provided, single submitter. Criteria: Invitae Variant Classification Sherloc (09022015). Collection method: clinical testing. Allele origin: germline.
Comment: This sequence change replaces valine, which is neutral and non-polar, with methionine, which is neutral and non-polar, at codon 492 of the LRIT3 protein (p.Val492Met). This variant is present in population databases (rs771574948, gnomAD 0.02%). This variant has not been reported in the literature in individuals affected with LRIT3-related conditions. ClinVar contains an entry for this variant (Variation ID: 1376009). An algorithm developed to predict the effect of missense changes on protein structure and function (PolyPhen-2) suggests that this variant is likely to be disruptive. In summary, the available evidence is currently insufficient to determine the role of this variant in disease. Therefore, it has been classified as a Variant of Uncertain Significance.

NM_198506.5(LRIT3):c.1474G>A (p.Val492Met)

Gene: LRIT3 (leucine rich repeat, Ig-like and transmembrane domains 3; plus strand). Cytogenetic location: 4q25.
Variant type: single nucleotide variant.
Coding change: c.1474G>A on transcript NM_198506.5 (MANE Select); coding-DNA position 1474, G replaced by A.
Protein change: p.Val492Met; replaces valine 492 with methionine.
Molecular consequence: missense variant.
Genome position (GRCh38, 1-based): chr4:109,870,223, G>A. VCF-style: chr4-109870223-G-A. GRCh37 (hg19) VCF-style: chr4-110791379-G-A.
Other names: short protein forms V492M.
Identifiers: ClinVar variation 1376009 (VCV001376009.6), dbSNP rs771574948, ClinGen allele CA3043200.